The following is an entry in ClinVar:

ClinVar aggregate classification (germline): Uncertain significance. Review status: criteria provided, multiple submitters, no conflicts (2 of 4 stars). 2 submissions from 2 submitters: Uncertain significance (2). Last evaluated 2026-02-17.

Conditions:
Telangiectasia, hereditary hemorrhagic, type 2 (HHT2). Also called: ACVRL1-Related Hereditary Hemorrhagic Telangiectasia; Telangiectasia, hereditary hemorrhagic, type II. Identifiers: Orphanet 774, MedGen C1838163, MONDO:0010880, OMIM 600376. Disease mechanism: loss of function.

gnomAD v4.1: 9 of 1,613,952 alleles (0.00056%); highest among the groups gnomAD compares: Middle Eastern, 0.016%; no homozygotes.

Submissions (2):

GeneDx
Classification: Uncertain significance. Last evaluated: 2026-02-17. Review status: criteria provided, single submitter. Criteria: GeneDx Variant Classification Process June 2021. Collection method: clinical testing. Allele origin: germline.
Comment: Not observed at significant frequency in large population cohorts (gnomAD); In silico analysis suggests that this missense variant does not alter protein structure/function; Has not been previously published as pathogenic or benign to our knowledge

Fulgent Genetics
Classification: Uncertain significance for Telangiectasia, hereditary hemorrhagic, type 2. Last evaluated: 2024-03-22. Review status: criteria provided, single submitter. Criteria: ACMG Guidelines, 2015. Collection method: clinical testing. Allele origin: germline.

NM_000020.3(ACVRL1):c.1240G>A (p.Val414Met)

Gene: ACVRL1 (activin A receptor like type 1; plus strand). Cytogenetic location: 12q13.13.
Variant type: single nucleotide variant.
Coding change: c.1240G>A on transcript NM_000020.3 (MANE Select); coding-DNA position 1240, G replaced by A.
Protein change: p.Val414Met; replaces valine 414 with methionine.
Molecular consequence: missense variant. On other transcripts: intron variant (1).
Genome position (GRCh38, 1-based): chr12:51,916,227, G>A. VCF-style: chr12-51916227-G-A. GRCh37 (hg19) VCF-style: chr12-52310011-G-A.
Other names: c.1240G>A, p.Val414Met (NM_001077401.2, NM_001406487.1, NM_001406488.1 and 1 more transcripts); c.928G>A, p.Val310Met (NM_001406490.1, NM_001406491.1, NM_001406492.1 and 1 more transcripts); c.676G>A, p.Val226Met (NM_001406495.1); c.736+727G>A (NM_001406494.1); short protein forms V414M, V226M, V310M.
Identifiers: ClinVar variation 3574958 (VCV003574958.2).